The following is an entry in ClinVar:

NM_020964.3(EPG5):c.7007A>C (p.Glu2336Ala)

Gene: EPG5 (ectopic P-granules 5 autophagy tethering factor; minus strand). Cytogenetic location: 18q12.3.
Variant type: single nucleotide variant.
Coding change: c.7007A>C on transcript NM_020964.3 (MANE Select); coding-DNA position 7007, A replaced by C.
Protein change: p.Glu2336Ala; replaces glutamic acid 2336 with alanine.
Molecular consequence: missense variant.
Genome position (GRCh38, 1-based): chr18:45,860,106, T>G on the plus strand (A>C on the coding strand, the complement: EPG5 is on the minus strand). VCF-style: chr18-45860106-T-G. GRCh37 (hg19) VCF-style: chr18-43440071-T-G.
Other names: c.7007A>C, p.Glu2336Ala (NM_001410858.1); c.7004A>C, p.Glu2335Ala (NM_001410859.1); short protein forms E2336A, E2335A.
Identifiers: ClinVar variation 3689827 (VCV003689827.2).
Genomic context (GRCh38, chr18:45,860,106, plus strand): 5'-TGCTTTCATCTTTCTGGAAAAGACCAATACAATGGAGCGTAAGATGACCTCCTCTTACTT[T>G]CTTTGAAGTAGGCAGTGATGCAGGCTTCTGTAGTCTCAGCCATGTGGCGGACGGACGCCA-3'
Protein context (NP_066015.2, residues 2326-2346): TEACITAYFK[Glu2336Ala]SPLNQNSGWG

ClinVar aggregate classification (germline): Uncertain significance (1 of 4 stars; one submission).

Conditions:
Vici syndrome (VICIS). Identifiers: Orphanet 1493, MedGen C1855772, MONDO:0009452, OMIM 242840.

gnomAD v4.1: 1 of 1,614,190 alleles (0.000062%); highest among the groups gnomAD compares: Non-Finnish European, 0.000085%; no homozygotes.

Submission:

Labcorp Genetics (formerly Invitae), Labcorp
Classification: Uncertain significance for Vici syndrome. Last evaluated: 2025-01-13. Review status: criteria provided, single submitter. Criteria: Invitae Variant Classification Sherloc (09022015). Collection method: clinical testing. Allele origin: germline.
Comment: This sequence change replaces glutamic acid, which is acidic and polar, with alanine, which is neutral and non-polar, at codon 2336 of the EPG5 protein (p.Glu2336Ala). This variant is not present in population databases (gnomAD no frequency). This variant has not been reported in the literature in individuals affected with EPG5-related conditions. An algorithm developed to predict the effect of missense changes on protein structure and function (PolyPhen-2) suggests that this variant is likely to be disruptive. In summary, the available evidence is currently insufficient to determine the role of this variant in disease. Therefore, it has been classified as a Variant of Uncertain Significance.